The following is an entry in ClinVar:

NM_004086.3(COCH):c.22G>A (p.Ala8Thr)

Gene: COCH (cochlin; plus strand). Cytogenetic location: 14q12.
Variant type: single nucleotide variant.
Coding change: c.22G>A on transcript NM_004086.3 (MANE Select); coding-DNA position 22, G replaced by A.
Protein change: p.Ala8Thr; replaces alanine 8 with threonine.
Molecular consequence: missense variant.
Genome position (GRCh38, 1-based): chr14:30,874,960, G>A. VCF-style: chr14-30874960-G-A. GRCh37 (hg19) VCF-style: chr14-31344166-G-A.
Other names: c.22G>A, p.Ala8Thr (NM_001135058.2, NM_001347720.2); c.22G>A (NM_004086.2); short protein forms A8T.
Identifiers: ClinVar variation 667098 (VCV000667098.14), dbSNP rs200935305, ClinGen allele CA7142878.

ClinVar aggregate classification (germline): Conflicting classifications of pathogenicity. Review status: criteria provided, conflicting classifications (1 of 4 stars). 5 submissions from 5 submitters: Uncertain significance (4); Likely benign (1). Last evaluated 2026-04-06.

Conditions:
Inborn genetic diseases. Identifiers: MedGen C0950123, MeSH D030342.
COCH-related disorder. Also called: COCH-related condition.

Allele frequency attached by ClinVar (database versions not stated): ESP Exome Variant Server 0.00008; gnomAD exomes 0.00017; ExAC 0.00018; gnomAD 0.00019 and 0.00022; TOPMed 0.00023.

Submissions (5):

PreventionGenetics, part of Exact Sciences
Classification: Uncertain significance for COCH-related condition. Last evaluated: 2026-04-06. Review status: criteria provided, single submitter. Criteria: ACMG Guidelines, 2015. Collection method: clinical testing. Allele origin: germline.
Comment: The COCH c.22G>A variant is predicted to result in the amino acid substitution p.Ala8Thr. To our knowledge, this variant has not been reported in the literature. This variant is reported in 0.028% of alleles in individuals of European (Non-Finnish) descent in gnomAD. At this time, the clinical significance of this variant is uncertain due to the absence of conclusive functional and genetic evidence.

Labcorp Genetics (formerly Invitae), Labcorp
Classification: Uncertain significance. Last evaluated: 2026-01-21. Review status: criteria provided, single submitter. Criteria: Invitae Variant Classification Sherloc (09022015). Collection method: clinical testing. Allele origin: germline.
Comment: This sequence change replaces alanine, which is neutral and non-polar, with threonine, which is neutral and polar, at codon 8 of the COCH protein (p.Ala8Thr). This variant is present in population databases (rs200935305, gnomAD 0.03%). This variant has not been reported in the literature in individuals affected with COCH-related conditions. ClinVar contains an entry for this variant (Variation ID: 667098). Invitae Evidence Modeling of protein sequence and biophysical properties (such as structural, functional, and spatial information, amino acid conservation, physicochemical variation, residue mobility, and thermodynamic stability) indicates that this missense variant is not expected to disrupt COCH protein function with a negative predictive value of 95%. In summary, the available evidence is currently insufficient to determine the role of this variant in disease. Therefore, it has been classified as a Variant of Uncertain Significance.

Ambry Genetics
Classification: Uncertain significance for Inborn genetic diseases. Last evaluated: 2024-06-17. Review status: criteria provided, single submitter. Criteria: Ambry Variant Classification Scheme 2023. Collection method: clinical testing. Allele origin: germline.

Athena Diagnostics
Classification: Uncertain significance. Last evaluated: 2023-01-17. Review status: criteria provided, single submitter. Criteria: Athena Diagnostics Criteria. Collection method: clinical testing. Allele origin: unknown.
Comment: Available data are insufficient to determine the clinical significance of the variant at this time. The frequency of this variant in the general population is uninformative in assessment of its pathogenicity. Computational tools predict that this variant is not damaging.

Laboratory for Molecular Medicine, Mass General Brigham Personalized Medicine
Classification: Likely benign. Last evaluated: 2018-06-28. Review status: criteria provided, single submitter. Criteria: LMM Criteria. Collection method: clinical testing. Allele origin: germline. Observed: 1 variant allele.
Comment: The p.Ala8Thr variant in COCH is likely benign because it is present in 0.02% (2 0/65614) of European chromosomes by the Exome Aggregation Consortium (ExAC), and computational prediction tools and conservation analyses suggest that this variant may not impact the protein. Of note, marmose t and squirrel monkey have a threonine (Thr) at this position. ACMG/AMP Criteria applied: BS1, BS4.